The following is an entry in ClinVar:

ClinVar aggregate classification (germline): Uncertain significance (1 of 4 stars; one submission).

Conditions:
Bardet-Biedl syndrome (BBS). Identifiers: Orphanet 110, MedGen C0752166, MONDO:0015229.

Submission:

Labcorp Genetics (formerly Invitae), Labcorp
Classification: Uncertain significance for Bardet-Biedl syndrome. Last evaluated: 2024-01-24. Review status: criteria provided, single submitter. Criteria: Invitae Variant Classification Sherloc (09022015). Collection method: clinical testing. Allele origin: germline.
Comment: This sequence change replaces leucine, which is neutral and non-polar, with phenylalanine, which is neutral and non-polar, at codon 429 of the TRIM32 protein (p.Leu429Phe). This variant is not present in population databases (gnomAD no frequency). This variant has not been reported in the literature in individuals affected with TRIM32-related conditions. ClinVar contains an entry for this variant (Variation ID: 1346173). An algorithm developed to predict the effect of missense changes on protein structure and function (PolyPhen-2) suggests that this variant is likely to be disruptive. In summary, the available evidence is currently insufficient to determine the role of this variant in disease. Therefore, it has been classified as a Variant of Uncertain Significance.

NM_012210.4(TRIM32):c.1285C>T (p.Leu429Phe)

Genes: ASTN2 (astrotactin 2; minus strand), TRIM32 (tripartite motif containing 32; plus strand). Cytogenetic location: 9q33.1.
Variant type: single nucleotide variant.
Coding change: c.1285C>T on transcript NM_012210.4 (MANE Select); coding-DNA position 1285, C replaced by T.
Protein change: p.Leu429Phe; replaces leucine 429 with phenylalanine.
Molecular consequence: missense variant. On other transcripts: intron variant (3).
Genome position (GRCh38, 1-based): chr9:116,699,027, C>T. VCF-style: chr9-116699027-C-T. GRCh37 (hg19) VCF-style: chr9-119461306-C-T.
Other names: c.1285C>T, p.Leu429Phe (NM_001099679.2, NM_001379048.1, NM_001379049.1 and 1 more transcripts); c.2653+26744G>A (NM_014010.5); c.2794+26744G>A (NM_001365069.1); c.2806+26744G>A (NM_001365068.1); short protein forms L429F.
Identifiers: ClinVar variation 1346173 (VCV001346173.6), dbSNP rs757634856, ClinGen allele CA374651351.